The following is an entry in ClinVar:

NM_024577.4(SH3TC2):c.*9872T>C

Gene: SH3TC2 (SH3 domain and tetratricopeptide repeats 2; minus strand). Cytogenetic location: 5q32.
Variant type: single nucleotide variant.
Coding change: c.*9872T>C on transcript NM_024577.4 (MANE Select); 9872 bases downstream of the stop codon, T replaced by C.
Molecular consequence: 3 prime UTR variant.
Genome position (GRCh38, 1-based): chr5:148,994,839, A>G on the plus strand (T>C on the coding strand, the complement: SH3TC2 is on the minus strand). VCF-style: chr5-148994839-A-G. GRCh37 (hg19) VCF-style: chr5-148374402-A-G.
Identifiers: ClinVar variation 904226 (VCV000904226.4), dbSNP rs545698794, ClinGen allele CA128989222.

ClinVar aggregate classification (germline): Conflicting classifications of pathogenicity. Review status: criteria provided, conflicting classifications (1 of 4 stars). 2 submissions from 1 submitter: Uncertain significance (1); Likely benign (1). Last evaluated 2018-01-13.

Conditions:
Susceptibility to mononeuropathy of the median nerve, mild. Also called: CARPAL TUNNEL SYNDROME, SUSCEPTIBILITY TO. Identifiers: MedGen C3150596, MONDO:0013237, OMIM 613353.
Charcot-Marie-Tooth disease type 4C (CMT4C). Also called: CMT 4C; Charcot-Marie-Tooth Neuropathy Type 4C (CMT4C); CHARCOT-MARIE-TOOTH DISEASE, DEMYELINATING, TYPE 4C; CHARCOT-MARIE-TOOTH DISEASE, DEMYELINATING, AUTOSOMAL RECESSIVE, TYPE 4C; SH3TC2-Related Hereditary Motor and Sensory Neuropathy. Identifiers: Orphanet 99949, MedGen C1866636, MONDO:0011113, OMIM 601596.

Allele frequency attached by ClinVar (database versions not stated): gnomAD below 0.00001 and 0.00007; TOPMed 0.00002; 1000 Genomes Project 30x 0.00094; 1000 Genomes Project 0.00120.
gnomAD v4.1: 11 of 152,266 alleles (0.0072%); highest among the groups gnomAD compares: South Asian, 0.23%; no homozygotes.

Submissions (2):

Illumina Laboratory Services, Illumina
Classification: Uncertain significance for Charcot-Marie-Tooth disease type 4C. Last evaluated: 2018-01-13. Review status: criteria provided, single submitter. Criteria: ICSL Variant Classification Criteria 13 December 2019. Collection method: clinical testing. Allele origin: germline.

Illumina Laboratory Services, Illumina
Classification: Likely benign for Susceptibility to mononeuropathy of the median nerve, mild. Last evaluated: 2018-01-13. Review status: criteria provided, single submitter. Criteria: ICSL Variant Classification Criteria 13 December 2019. Collection method: clinical testing. Allele origin: germline.
Comment: This variant was observed in the ICSL laboratory as part of a predisposition screen in an ostensibly healthy population. It had not been previously curated by ICSL or reported in the Human Gene Mutation Database (HGMD: prior to June 1st, 2018), and was therefore a candidate for classification through an automated scoring system. Utilizing variant allele frequency, disease prevalence and penetrance estimates, and inheritance mode, an automated score was calculated to assess if this variant is too frequent to cause the disease. Based on the score and internal cut-off values, a variant classified as likely benign is not then subjected to further curation. The score for this variant resulted in a classification of likely benign for this disease.